The following is an entry in ClinVar:

ClinVar aggregate classification (germline): Pathogenic. Review status: criteria provided, multiple submitters, no conflicts (2 of 4 stars). 2 submissions from 2 submitters: Pathogenic (2). Last evaluated 2024-07-28.

Conditions:
SERPING1-related disorder. Also called: SERPING1-related condition.
Hereditary angioedema type 1 (HAE1). Identifiers: Orphanet 100050, Orphanet 100051, Orphanet 91378, MedGen C2717906, MONDO:0015053, OMIM 106100.

Submissions (2):

DNA-diagnostics Laboratory, Research Centre For Medical Genetics
Classification: Pathogenic for Hereditary angioedema type 1. Last evaluated: 2024-07-28. Review status: criteria provided, single submitter. Criteria: ACMG Guidelines, 2015. Collection method: research. Allele origin: germline. Inheritance: Autosomal dominant inheritance. Affected: yes. Observed: 3 variant alleles, 3 heterozygotes. Clinical features observed: Angioedema (HP:0100665), C1 esterase inhibitor deficiency.
Comment: According to our observation and published information (Gösswein et al., 2008, Loules et al., 2018, Ponard et all, 2020), the c.1396C>G variant in SERPING1 meets ACMG/ClinGen SVI guidance criteria to be classified as pathogenic: PP4_Str, PM1, PM5, PS4_Mod, PM2_Sup, PP1, PP2, PP3

Blueprint Genetics
Classification: Pathogenic for SERPING1-related disorders. Last evaluated: 2019-02-05. Review status: criteria provided, single submitter. Criteria: ACMG Guidelines, 2015. Collection method: clinical testing. Allele origin: germline. Affected: yes. Observed: 1 variant allele.

Literature cited by the submitters: PubMed 18758157 (cited by DNA-diagnostics Laboratory, Research Centre For Medical Genetics); DOI 10.1016/j.gene.2018.05.029 (cited by DNA-diagnostics Laboratory, Research Centre For Medical Genetics); DOI 10.1002/humu.23917 (cited by DNA-diagnostics Laboratory, Research Centre For Medical Genetics).

NM_000062.3(SERPING1):c.1396C>G (p.Arg466Gly)

Gene: SERPING1 (serpin family G member 1; plus strand). Cytogenetic location: 11q12.1.
Variant type: single nucleotide variant.
Coding change: c.1396C>G on transcript NM_000062.3 (MANE Select); coding-DNA position 1396, C replaced by G.
Protein change: p.Arg466Gly; replaces arginine 466 with glycine.
Molecular consequence: missense variant.
Genome position (GRCh38, 1-based): chr11:57,614,474, C>G. VCF-style: chr11-57614474-C-G. GRCh37 (hg19) VCF-style: chr11-57381947-C-G.
Other names: c.1396C>G, p.Arg466Gly (NM_001032295.2); short protein forms R466G.
Identifiers: ClinVar variation 3256142 (VCV003256142.3).